The following is an entry in ClinVar:

ClinVar aggregate classification (germline): Benign/Likely benign. Review status: criteria provided, multiple submitters, no conflicts (2 of 4 stars). 4 submissions from 4 submitters: Benign (2); Likely benign (1). 1 of the submissions does not count toward it. Last evaluated 2025-03-03.

Conditions:
ANKRD26-related disorder. Also called: ANKRD26-related condition.
Thrombocytopenia 2 (THC2). Also called: ANKRD26-Related Thrombocytopenia. Identifiers: Orphanet 268322, MedGen C1861185, MONDO:0008555, OMIM 188000.

Allele frequency attached by ClinVar (database versions not stated): TOPMed 0.00012; gnomAD exomes 0.00023; ExAC 0.00028; 1000 Genomes Project 30x 0.00031.
gnomAD v4.1: 181 of 1,613,406 alleles (0.011%); highest among the groups gnomAD compares: South Asian, 0.12%; no homozygotes.

Submissions (4):

Labcorp Genetics (formerly Invitae), Labcorp
Classification: Benign. Last evaluated: 2025-03-03. Review status: criteria provided, single submitter. Criteria: Invitae Variant Classification Sherloc (09022015). Collection method: clinical testing. Allele origin: germline.

Blueprint Genetics
Classification: Likely benign. Last evaluated: 2024-10-04. Review status: criteria provided, single submitter. Criteria: ACMG Guidelines, 2015. Collection method: clinical testing. Allele origin: germline.

Illumina Laboratory Services, Illumina
Classification: Benign for Thrombocytopenia 2. Last evaluated: 2018-01-12. Review status: criteria provided, single submitter. Criteria: ICSL Variant Classification Criteria 13 December 2019. Collection method: clinical testing. Allele origin: germline.
Comment: This variant was observed in the ICSL laboratory as part of a predisposition screen in an ostensibly healthy population. It had not been previously curated by ICSL or reported in the Human Gene Mutation Database (HGMD: prior to June 1st, 2018), and was therefore a candidate for classification through an automated scoring system. Utilizing variant allele frequency, disease prevalence and penetrance estimates, and inheritance mode, an automated score was calculated to assess if this variant is too frequent to cause the disease. Based on the score and internal cut-off values, a variant classified as benign is not then subjected to further curation. The score for this variant resulted in a classification of benign for this disease.

PreventionGenetics, part of Exact Sciences
Classification: Likely benign for ANKRD26-related condition. Last evaluated: 2019-07-22. Review status: no assertion criteria provided. Collection method: clinical testing. Allele origin: germline. Not counted in ClinVar's aggregate classification.
Comment: This variant is classified as likely benign based on ACMG/AMP sequence variant interpretation guidelines (Richards et al. 2015 PMID: 25741868, with internal and published modifications).

NM_014915.3(ANKRD26):c.874+8G>T

Gene: ANKRD26 (ankyrin repeat domain 26; minus strand). Cytogenetic location: 10p12.1.
Variant type: single nucleotide variant.
Coding change: c.874+8G>T on transcript NM_014915.3 (MANE Select); 8 bases into the intron after coding-DNA position 874, G replaced by T.
Molecular consequence: intron variant.
Genome position (GRCh38, 1-based): chr10:27,077,625, C>A on the plus strand (G>T on the coding strand, the complement: ANKRD26 is on the minus strand). VCF-style: chr10-27077625-C-A. GRCh37 (hg19) VCF-style: chr10-27366554-C-A.
Other names: c.874+8G>T (NM_001256053.2).
Identifiers: ClinVar variation 299755 (VCV000299755.12), dbSNP rs377114195, ClinGen allele CA5448758.